The following is an entry in ClinVar:

ClinVar aggregate classification (germline): Uncertain significance. Review status: criteria provided, multiple submitters, no conflicts (2 of 4 stars). 5 submissions from 5 submitters: Uncertain significance (5). Last evaluated 2025-12-18.

Conditions:
Cardiovascular phenotype. Identifiers: MedGen CN230736.
Cardiomyopathy (CMYO). Also called: Cardiomyopathies. Identifiers: Orphanet 167848, MedGen C0878544, MONDO:0004994, HP:0001638. Inheritance: Various modes of inheritance.
Catecholaminergic polymorphic ventricular tachycardia 1. Also called: RYR2-Related Catecholaminergic Polymorphic Ventricular Tachycardia; VENTRICULAR TACHYCARDIA, CATECHOLAMINERGIC POLYMORPHIC, 1, WITH OR WITHOUT ATRIAL DYSFUNCTION AND/OR DILATED CARDIOMYOPATHY; VENTRICULAR TACHYCARDIA, STRESS-INDUCED POLYMORPHIC 1. Identifiers: Orphanet 3286, MedGen C1631597, MONDO:0011484, OMIM 604772.

Allele frequency attached by ClinVar (database versions not stated): ExAC 0.00002; gnomAD 0.00002; gnomAD exomes 0.00002; TOPMed 0.00002.
gnomAD v4.1: 24 of 1,608,496 alleles (0.0015%); highest among the groups gnomAD compares: Admixed American, 0.0033%; no homozygotes.

Submissions (6):

Color Diagnostics, LLC DBA Color Health
Classification: Uncertain significance for Cardiomyopathy. Last evaluated: 2025-12-18. Review status: criteria provided, single submitter. Criteria: ACMG Guidelines, 2015. Collection method: clinical testing. Allele origin: germline.
Comment: This missense variant replaces arginine with glutamine at codon 3673 of the RYR2 protein. Computational prediction suggests that this variant may have deleterious impact on protein structure and function. To our knowledge, functional studies have not been reported for this variant. This variant has been reported in a survivor of sudden cardiac arrest (PMID: 30975432). This variant has been identified in 24/1608496 chromosomes in the general population by the Genome Aggregation Database (gnomAD). The available evidence is insufficient to determine the role of this variant in disease conclusively. Therefore, this variant is classified as a Variant of Uncertain Significance.

Labcorp Genetics (formerly Invitae), Labcorp
Classification: Uncertain significance for Catecholaminergic polymorphic ventricular tachycardia 1. Last evaluated: 2024-10-23. Review status: criteria provided, single submitter. Criteria: Invitae Variant Classification Sherloc (09022015). Collection method: clinical testing. Allele origin: germline.
Comment: This sequence change replaces arginine, which is basic and polar, with glutamine, which is neutral and polar, at codon 3673 of the RYR2 protein (p.Arg3673Gln). This variant is present in population databases (rs778111237, gnomAD 0.004%). This missense change has been observed in individual(s) with clinical features of RYR2-related conditions (PMID: 30975432). ClinVar contains an entry for this variant (Variation ID: 201306). Invitae Evidence Modeling of protein sequence and biophysical properties (such as structural, functional, and spatial information, amino acid conservation, physicochemical variation, residue mobility, and thermodynamic stability) has been performed for this missense variant. However, the output from this modeling did not meet the statistical confidence thresholds required to predict the impact of this variant on RYR2 protein function. In summary, the available evidence is currently insufficient to determine the role of this variant in disease. Therefore, it has been classified as a Variant of Uncertain Significance.

Ambry Genetics
Classification: Uncertain significance for Cardiovascular phenotype. Last evaluated: 2023-10-17. Review status: criteria provided, single submitter. Criteria: Ambry Variant Classification Scheme 2023. Collection method: clinical testing. Allele origin: germline.
Comment: The p.R3673Q variant (also known as c.11018G>A), located in coding exon 78 of the RYR2 gene, results from a G to A substitution at nucleotide position 11018. The arginine at codon 3673 is replaced by glutamine, an amino acid with highly similar properties. This variant has been reported in a sudden cardiac arrest cohort (Asatryan B et al. Am J Cardiol, 2019 Jun;123:2031-2038). This amino acid position is highly conserved in available vertebrate species. In addition, the in silico prediction for this alteration is inconclusive. Since supporting evidence is limited at this time, the clinical significance of this alteration remains unclear.

GeneDx
Classification: Uncertain significance. Last evaluated: 2022-12-16. Review status: criteria provided, single submitter. Criteria: GeneDx Variant Classification Process June 2021. Collection method: clinical testing. Allele origin: germline. Affected: yes.
Comment: Reported in a patient with sudden cardiac arrest in published literature (Asatryan et al., 2019); Not observed at significant frequency in large population cohorts (gnomAD); In silico analysis supports that this missense variant does not alter protein structure/function; Not located in one of the three hot-spot regions of the RYR2 gene, where the majority of pathogenic missense variants occur (Medeiros-Domingo et al., 2009); This variant is associated with the following publications: (PMID: 26582918, 30975432, 27535533, 19926015)

AiLife Diagnostics
Classification: Uncertain significance. Last evaluated: 2022-03-24. Review status: criteria provided, single submitter. Criteria: ACMG Guidelines, 2015. Collection method: clinical testing. Allele origin: germline. Affected: yes. Observed: 1 variant allele.

Dr. Peter K. Rogan Lab, Western University
No classification provided (evidence only). Condition: Thyroid cancer, nonmedullary, 1. Review status: no classification provided. Collection method: in vitro. Allele origin: not applicable. Functional consequence: retained intron. Not counted in ClinVar's aggregate classification.

Literature cited by the submitters: PubMed 30975432 (cited by 4 submitters).

NM_001035.3(RYR2):c.11018G>A (p.Arg3673Gln)

Gene: RYR2 (ryanodine receptor 2; plus strand). Cytogenetic location: 1q43.
Variant type: single nucleotide variant.
Coding change: c.11018G>A on transcript NM_001035.3 (MANE Select); coding-DNA position 11018, G replaced by A.
Protein change: p.Arg3673Gln; replaces arginine 3673 with glutamine.
Molecular consequence: missense variant.
Genome position (GRCh38, 1-based): chr1:237,732,128, G>A. VCF-style: chr1-237732128-G-A. GRCh37 (hg19) VCF-style: chr1-237895428-G-A.
Other names: p.R3673Q:CGG>CAG; c.11018G>A, p.Arg3673Gln (LRG_402t1); short protein forms R3673Q.
Identifiers: ClinVar variation 201306 (VCV000201306.17), dbSNP rs778111237, ClinGen allele CA006821.